The following is an entry in ClinVar:

NM_005546.4(ITK):c.86G>A (p.Arg29His)

Gene: ITK (IL2 inducible T cell kinase; plus strand). Cytogenetic location: 5q33.3.
Variant type: single nucleotide variant.
Coding change: c.86G>A on transcript NM_005546.4 (MANE Select); coding-DNA position 86, G replaced by A.
Protein change: p.Arg29His; replaces arginine 29 with histidine.
Molecular consequence: missense variant.
Genome position (GRCh38, 1-based): chr5:157,181,063, G>A. VCF-style: chr5-157181063-G-A. GRCh37 (hg19) VCF-style: chr5-156608074-G-A.
Other names: short protein forms R29H.
Identifiers: ClinVar variation 64372 (VCV000064372.3), dbSNP rs397514261, ClinGen allele CA144697.
Genomic context (GRCh38, chr5:157,181,063, plus strand): 5'-AACAGCTCATCAAGAAATCCCAACAAAAGAGAAGAACTTCTCCCTCGAACTTTAAAGTCC[G>A]CTTCTTTGTGTTAACCAAAGCCAGCCTGGCATACTTTGAAGATCGTCATGGGGTATGTGA-3'
Protein context (NP_005537.3, residues 19-39): RRTSPSNFKV[Arg29His]FFVLTKASLA

ClinVar aggregate classification (germline): Likely pathogenic. Review status: criteria provided, multiple submitters, no conflicts (2 of 4 stars). 3 submissions from 3 submitters: Likely pathogenic (2). 1 of the submissions does not count toward it. Last evaluated 2025-06-13.

Conditions:
ITK-related disorder. Also called: ITK-related condition.
Lymphoproliferative syndrome 1 (LPFS1). Identifiers: Orphanet 238505, Orphanet 538963, MedGen C3552634, MONDO:0013081, OMIM 613011.

Allele frequency attached by ClinVar (database versions not stated): gnomAD 0.00001; gnomAD exomes 0.00001; TOPMed 0.00001.

Submissions (3):

PreventionGenetics, part of Exact Sciences
Classification: Likely pathogenic for ITK-related condition. Last evaluated: 2025-06-13. Review status: criteria provided, single submitter. Criteria: ACMG Guidelines, 2015. Collection method: clinical testing. Allele origin: germline.
Comment: The ITK c.86G>A variant is predicted to result in the amino acid substitution p.Arg29His. This variant has been reported in the homozygous state in an individual with ITK-deficiency (Patient 6, Linka et al. 2012. PubMed ID: 22289921). Functional studies showed reduced or nearly absent calcium response after TCR stimuation in T lymphocytes, a 39% reduction of protein half-life in HEK293 cells, and loss of membrane targeting (Linka et al. 2012, PubMed ID: 2289921). An alternate missense change at the same amino acid position (p.Arg29Cys) has been reported in an individual with hemophagocytic lymphohistiocytosis (Zhang et al. 2019. PubMed ID: 31388699). This variant is reported in 0.0026% of alleles in individuals of European (Non-Finnish) descent in gnomAD. This variant is interpreted as likely pathogenic.

Department of Pathology and Laboratory Medicine, Sinai Health System
Classification: Likely pathogenic for Lymphoproliferative syndrome 1. Last evaluated: 2023-08-17. Review status: criteria provided, single submitter. Criteria: ACMG Guidelines, 2015. Collection method: research. Allele origin: germline.

OMIM
Classification: Pathogenic for LYMPHOPROLIFERATIVE SYNDROME 1. Last evaluated: 2012-05-01. Review status: no assertion criteria provided. Collection method: literature only. Allele origin: germline. Not counted in ClinVar's aggregate classification.

Literature cited by the submitters: PubMed 22289921 (cited by OMIM).